The following is an entry in ClinVar:

ClinVar aggregate classification (germline): Uncertain significance. Review status: criteria provided, multiple submitters, no conflicts (2 of 4 stars). 3 submissions from 3 submitters: Uncertain significance (3). Last evaluated 2024-10-11.

Conditions:
Hereditary breast ovarian cancer syndrome. Also called: Hereditary breast and ovarian cancer syndrome; BRCA1- and BRCA2-Associated Hereditary Breast and Ovarian Cancer; Breast and ovarian cancer; Hereditary breast and/or ovarian cancer syndrome; Hereditary breast and ovarian cancer; Hereditary breast and ovarian cancer syndrome (HBOC). Identifiers: Orphanet 145, MedGen C0677776, MeSH D061325, MONDO:0003582. Disease mechanism: loss of function.
Hereditary cancer-predisposing syndrome. Also called: Neoplastic Syndromes, Hereditary; Tumor predisposition; Hereditary Cancer Syndrome; Hereditary neoplastic syndrome. Identifiers: Orphanet 140162, MedGen C0027672, MeSH D009386, MONDO:0015356.

Submissions (3):

Ambry Genetics
Classification: Uncertain significance for Hereditary cancer-predisposing syndrome. Last evaluated: 2024-10-11. Review status: criteria provided, single submitter. Criteria: Ambry Variant Classification Scheme 2023. Collection method: clinical testing. Allele origin: germline.
Comment: The p.E1536Q variant (also known as c.4606G>C), located in coding exon 13 of the BRCA1 gene, results from a G to C substitution at nucleotide position 4606. The glutamic acid at codon 1536 is replaced by glutamine, an amino acid with highly similar properties. This amino acid position is not well conserved in available vertebrate species. In addition, the in silico prediction for this alteration is inconclusive. Since supporting evidence is limited at this time, the clinical significance of this alteration remains unclear.

Quest Diagnostics Nichols Institute San Juan Capistrano
Classification: Uncertain significance. Last evaluated: 2024-03-21. Review status: criteria provided, single submitter. Criteria: Quest Diagnostics criteria. Collection method: clinical testing. Allele origin: unknown.
Comment: The BRCA1 c.4606G>C (p.Glu1536Gln) variant has not been reported in individuals with BRCA1-related conditions in the published literature. It also has not been reported in large, multi-ethnic general populations (Genome Aggregation Database). Analysis of this variant using bioinformatics tools for the prediction of the effect of amino acid changes on protein structure and function yielded predictions that this variant is benign. Based on the available information, we are unable to determine the clinical significance of this variant.

Labcorp Genetics (formerly Invitae), Labcorp
Classification: Uncertain significance for Hereditary breast ovarian cancer syndrome. Last evaluated: 2022-12-09. Review status: criteria provided, single submitter. Criteria: Invitae Variant Classification Sherloc (09022015). Collection method: clinical testing. Allele origin: germline.
Comment: In summary, the available evidence is currently insufficient to determine the role of this variant in disease. Therefore, it has been classified as a Variant of Uncertain Significance. Advanced modeling of protein sequence and biophysical properties (such as structural, functional, and spatial information, amino acid conservation, physicochemical variation, residue mobility, and thermodynamic stability) performed at Invitae indicates that this missense variant is not expected to disrupt BRCA1 protein function. ClinVar contains an entry for this variant (Variation ID: 233522). This variant has not been reported in the literature in individuals affected with BRCA1-related conditions. This variant is not present in population databases (gnomAD no frequency). This sequence change replaces glutamic acid, which is acidic and polar, with glutamine, which is neutral and polar, at codon 1536 of the BRCA1 protein (p.Glu1536Gln).

NM_007294.4(BRCA1):c.4606G>C (p.Glu1536Gln)

Gene: BRCA1 (BRCA1 DNA repair associated; minus strand). Cytogenetic location: 17q21.31.
Variant type: single nucleotide variant.
Coding change: c.4606G>C on transcript NM_007294.4 (MANE Select); coding-DNA position 4606, G replaced by C.
Protein change: p.Glu1536Gln; replaces glutamic acid 1536 with glutamine.
Molecular consequence: missense variant. On other transcripts: non-coding transcript variant (1).
Genome position (GRCh38, 1-based): chr17:43,074,400, C>G on the plus strand (G>C on the coding strand, the complement: BRCA1 is on the minus strand). VCF-style: chr17-43074400-C-G. GRCh37 (hg19) VCF-style: chr17-41226417-C-G.
Other names: c.4393G>C, p.Glu1465Gln (NM_001407571.1, NM_001407894.1, NM_001407895.1 and 12 more transcripts); c.4672G>C, p.Glu1558Gln (NM_001407581.1, NM_001407582.1); c.4669G>C, p.Glu1557Gln (NM_001407583.1, NM_001407585.1, NM_001407587.1 and 1 more transcripts); c.4666G>C, p.Glu1556Gln (NM_001407590.1, NM_001407591.1); c.4606G>C, p.Glu1536Gln (NM_001407593.1, NM_001407594.1, NM_001407596.1 and 8 more transcripts); c.4603G>C, p.Glu1535Gln (NM_001407610.1, NM_001407611.1, NM_001407612.1 and 17 more transcripts); c.4600G>C, p.Glu1534Gln (NM_001407627.1, NM_001407628.1, NM_001407629.1 and 14 more transcripts); c.4597G>C, p.Glu1533Gln (NM_001407644.1, NM_001407645.1); and 68 more; short protein forms E1536Q, E432Q, E1489Q, E1557Q, E363Q, E384Q, E386Q, E388Q.
Identifiers: ClinVar variation 233522 (VCV000233522.17), dbSNP rs876660460, ClinGen allele CA10580515.